The following is an entry in ClinVar:

NM_003466.4(PAX8):c.936dup (p.Glu313fs)

Genes: PAX8 (paired box 8; minus strand), PAX8-AS1 (PAX8 antisense RNA 1; plus strand). Cytogenetic location: 2q14.1.
Variant type: Duplication.
Coding change: c.936dup on transcript NM_003466.4 (MANE Select); coding-DNA position 936, one base duplicated (C; older notation c.936dupC).
Protein change: p.Glu313fs; shifts the reading frame from glutamic acid 313.
Molecular consequence: frameshift variant. On other transcripts: non-coding transcript variant (1), intron variant (3).
Genome position (GRCh38, 1-based): chr2:113,235,545, G duplicated on the plus strand (C on the coding strand, the reverse complement: PAX8 is on the minus strand); the first of 5 consecutive G bases (chr2:113,235,545-113,235,549); duplicating any one gives the same sequence. VCF-style (leftmost placement, unchanged base first): chr2-113235544-C-CG. GRCh37 (hg19) VCF-style: chr2-113993121-C-CG.
Other names: c.777+6006dup (NM_013992.4, NM_013953.4); c.899-42dup (NM_013952.4); short protein forms E313fs.
Identifiers: ClinVar variation 4279554 (VCV004279554.1).

ClinVar aggregate classification (germline): Likely pathogenic (1 of 4 stars; one submission).

Conditions:
Hypothyroidism, congenital, nongoitrous, 2 (CHNG2). Also called: Hypothyroidism, congenital, due to thyroid dysgenesis or hypoplasia. Identifiers: Orphanet 95712, MedGen C1869118, MONDO:0024264, OMIM 218700.

Submission:

Department of Paediatrics at Addenbrookes, Cambridge University Hospitals NHS Foundation Trust (UK)
Classification: Likely pathogenic for Hypothyroidism, congenital, nongoitrous, 2. Last evaluated: 2025-05-27. Review status: criteria provided, single submitter. Criteria: Durkie Uk Practice Guidelines For Variant Classification V12 2024 (1). Collection method: clinical testing. Allele origin: unknown.
Comment: PVS1_Strong; PM2_Moderate